The following is an entry in ClinVar:

NM_000268.4(NF2):c.1096G>A (p.Glu366Lys)

Gene: NF2 (NF2, moesin-ezrin-radixin like (MERLIN) tumor suppressor; plus strand). Cytogenetic location: 22q12.2.
Variant type: single nucleotide variant.
Coding change: c.1096G>A on transcript NM_000268.4 (MANE Select); coding-DNA position 1096, G replaced by A.
Protein change: p.Glu366Lys; replaces glutamic acid 366 with lysine.
Molecular consequence: missense variant. On other transcripts: intron variant (1).
Genome position (GRCh38, 1-based): chr22:29,671,922, G>A. VCF-style: chr22-29671922-G-A. GRCh37 (hg19) VCF-style: chr22-30067911-G-A.
Other names: c.982G>A, p.Glu328Lys (NM_001407053.1, NM_001407056.1); c.973G>A, p.Glu325Lys (NM_001407054.1, NM_001407058.1, NM_181829.3); c.970G>A, p.Glu324Lys (NM_001407055.1, NM_181828.3); c.961G>A, p.Glu321Lys (NM_001407057.1, NM_001407059.1); c.1096G>A, p.Glu366Lys (NM_001407060.1, NM_001407066.1, NM_016418.5 and 2 more transcripts); c.838G>A, p.Glu280Lys (NM_001407062.1); c.847G>A, p.Glu283Lys (NM_001407063.1, NM_001407064.1, NM_181830.3 and 1 more transcripts); c.562G>A, p.Glu188Lys (NM_001407065.1); and 2 more; short protein forms E280K, E283K, E321K, E325K, E289K, E324K, E366K, E188K.
Identifiers: ClinVar variation 3404988 (VCV003404988.2).

ClinVar aggregate classification (germline): Uncertain significance. Review status: criteria provided, multiple submitters, no conflicts (2 of 4 stars). 2 submissions from 2 submitters: Uncertain significance (2). Last evaluated 2025-03-19.

Conditions:
Hereditary cancer-predisposing syndrome. Also called: Hereditary Cancer Syndrome; Tumor predisposition; Hereditary neoplastic syndrome; Neoplastic Syndromes, Hereditary. Identifiers: Orphanet 140162, MedGen C0027672, MeSH D009386, MONDO:0015356.

gnomAD v4.1: 1 of 1,614,208 alleles (0.000062%); highest among the groups gnomAD compares: Non-Finnish European, 0.000085%; no homozygotes.

Submissions (2):

GeneDx
Classification: Uncertain significance. Last evaluated: 2025-03-19. Review status: criteria provided, single submitter. Criteria: GeneDx Variant Classification Process June 2021. Collection method: clinical testing. Allele origin: germline. Affected: yes.
Comment: Not observed at significant frequency in large population cohorts (gnomAD); In silico analysis supports that this missense variant has a deleterious effect on protein structure/function; Has not been previously published as pathogenic or benign to our knowledge; This variant is associated with the following publications: (PMID: 16324214, 17134719, 22482125)

Ambry Genetics
Classification: Uncertain significance for Hereditary cancer-predisposing syndrome. Last evaluated: 2024-08-10. Review status: criteria provided, single submitter. Criteria: Ambry Variant Classification Scheme 2023. Collection method: clinical testing. Allele origin: germline.
Comment: The p.E366K variant (also known as c.1096G>A), located in coding exon 11 of the NF2 gene, results from a G to A substitution at nucleotide position 1096. The glutamic acid at codon 366 is replaced by lysine, an amino acid with similar properties. This amino acid position is conserved. In addition, the in silico prediction for this alteration is inconclusive. Based on the available evidence, the clinical significance of this variant remains unclear.